The following is an entry in ClinVar:

NM_006950.3(SYN1):c.1319G>A (p.Gly440Glu)

Gene: SYN1 (synapsin I; minus strand). Cytogenetic location: Xp11.3.
Variant type: single nucleotide variant.
Coding change: c.1319G>A on transcript NM_006950.3 (MANE Select); coding-DNA position 1319, G replaced by A.
Protein change: p.Gly440Glu; replaces glycine 440 with glutamic acid.
Molecular consequence: missense variant.
Genome position (GRCh38, 1-based): chrX:47,574,762, C>T on the plus strand (G>A on the coding strand, the complement: SYN1 is on the minus strand). VCF-style: chrX-47574762-C-T. GRCh37 (hg19) VCF-style: chrX-47434161-C-T.
Other names: c.1319G>A, p.Gly440Glu (NM_133499.2); short protein forms G440E.
Identifiers: ClinVar variation 658864 (VCV000658864.1), dbSNP rs1603050776, ClinGen allele CA412824858.

ClinVar aggregate classification (germline): Uncertain significance (1 of 4 stars; one submission).

Conditions:
Epilepsy, X-linked 1, with variable learning disabilities and behavior disorders. Also called: X-linked epilepsy-learning disabilities-behavior disorders syndrome. Identifiers: Orphanet 85294, MedGen C5774177, MONDO:0010339, OMIM 300491.

Submission:

Labcorp Genetics (formerly Invitae), Labcorp
Classification: Uncertain significance for Epilepsy, X-linked, with variable learning disabilities and behavior disorders. Last evaluated: 2018-12-03. Review status: criteria provided, single submitter. Criteria: Invitae Variant Classification Sherloc (09022015). Collection method: clinical testing. Allele origin: germline.
Comment: This sequence change replaces glycine with glutamic acid at codon 440 of the SYN1 protein (p.Gly440Glu). The glycine residue is moderately conserved and there is a moderate physicochemical difference between glycine and glutamic acid. This variant is not present in population databases (ExAC no frequency). This variant has not been reported in the literature in individuals with SYN1-related disease. Algorithms developed to predict the effect of missense changes on protein structure and function are either unavailable or do not agree on the potential impact of this missense change (SIFT: "Tolerated"; PolyPhen-2: "Possibly Damaging"; Align-GVGD: "Class C0"). In summary, the available evidence is currently insufficient to determine the role of this variant in disease. Therefore, it has been classified as a Variant of Uncertain Significance.